The following is an entry in ClinVar:

NC_000009.11:g.(?_79996872)_(80022543_?)del

Gene: VPS13A (vacuolar protein sorting 13 homolog A; plus strand). Cytogenetic location: 9q21.2.
Variant type: Deletion.
Identifiers: ClinVar variation 1459761 (VCV001459761.5).

ClinVar aggregate classification (germline): Pathogenic (1 of 4 stars; one submission).

Submission:

Labcorp Genetics (formerly Invitae), Labcorp
Classification: Pathogenic. Last evaluated: 2021-10-14. Review status: criteria provided, single submitter. Criteria: Invitae Variant Classification Sherloc (09022015). Collection method: clinical testing. Allele origin: germline.
Comment: This variant is a gross deletion of the genomic region encompassing exon(s) 68-71 of the VPS13A gene. While this deletion is not anticipated to lead to nonsense mediated decay, it is expected to disrupt the C-terminus of the protein. This variant has not been reported in the literature in individuals affected with VPS13A-related conditions. This variant disrupts a region of the VPS13A protein in which other variant(s) (p.Glu3144Valfs*6) have been determined to be pathogenic (PMID: 12404112, 30713887, 31543803). This suggests that this is a clinically significant region of the protein, and that variants that disrupt it are likely to be disease-causing. For these reasons, this variant has been classified as Pathogenic.

Literature cited by the submitters: PubMed 12404112; PubMed 30713887; PubMed 31543803.